The following is an entry in ClinVar:

ClinVar aggregate classification (germline): Uncertain significance. Review status: criteria provided, multiple submitters, no conflicts (2 of 4 stars). 2 submissions from 2 submitters: Uncertain significance (2). Last evaluated 2025-12-16.

Conditions:
Hereditary cancer-predisposing syndrome. Also called: Tumor predisposition; Hereditary neoplastic syndrome; Neoplastic Syndromes, Hereditary; Hereditary Cancer Syndrome. Identifiers: Orphanet 140162, MedGen C0027672, MeSH D009386, MONDO:0015356.

Allele frequency attached by ClinVar (database versions not stated): TOPMed 0.00001.
gnomAD v4.1: 2 of 1,613,780 alleles (0.00012%); highest among the groups gnomAD compares: Middle Eastern, 0.017%; no homozygotes.

Submissions (2):

Labcorp Genetics (formerly Invitae), Labcorp
Classification: Uncertain significance. Last evaluated: 2025-12-16. Review status: criteria provided, single submitter. Criteria: Invitae Variant Classification Sherloc (09022015). Collection method: clinical testing. Allele origin: germline.
Comment: This sequence change replaces alanine, which is neutral and non-polar, with valine, which is neutral and non-polar, at codon 236 of the HOXB13 protein (p.Ala236Val). This variant is not present in population databases (gnomAD no frequency). This variant has not been reported in the literature in individuals affected with HOXB13-related conditions. ClinVar contains an entry for this variant (Variation ID: 862204). Invitae Evidence Modeling of protein sequence and biophysical properties (such as structural, functional, and spatial information, amino acid conservation, physicochemical variation, residue mobility, and thermodynamic stability) has been performed for this missense variant. However, the output from this modeling did not meet the statistical confidence thresholds required to predict the impact of this variant on HOXB13 protein function. In summary, the available evidence is currently insufficient to determine the role of this variant in disease. Therefore, it has been classified as a Variant of Uncertain Significance.

Ambry Genetics
Classification: Uncertain significance for Hereditary cancer-predisposing syndrome. Last evaluated: 2025-01-24. Review status: criteria provided, single submitter. Criteria: Ambry Variant Classification Scheme 2023. Collection method: clinical testing. Allele origin: germline.
Comment: The p.A236V variant (also known as c.707C>T), located in coding exon 2 of the HOXB13 gene, results from a C to T substitution at nucleotide position 707. The alanine at codon 236 is replaced by valine, an amino acid with similar properties. This amino acid position is not well conserved in available vertebrate species. In addition, the in silico prediction for this alteration is inconclusive. Based on the available evidence, the clinical significance of this variant remains unclear.

NM_006361.6(HOXB13):c.707C>T (p.Ala236Val)

Gene: HOXB13 (homeobox B13; minus strand). Cytogenetic location: 17q21.32.
Variant type: single nucleotide variant.
Coding change: c.707C>T on transcript NM_006361.6 (MANE Select); coding-DNA position 707, C replaced by T.
Protein change: p.Ala236Val; replaces alanine 236 with valine.
Molecular consequence: missense variant.
Genome position (GRCh38, 1-based): chr17:48,726,938, G>A on the plus strand (C>T on the coding strand, the complement: HOXB13 is on the minus strand). VCF-style: chr17-48726938-G-A. GRCh37 (hg19) VCF-style: chr17-46804300-G-A.
Other names: short protein forms A236V.
Identifiers: ClinVar variation 862204 (VCV000862204.13), dbSNP rs754487444, ClinGen allele CA291349107.
Genomic context (GRCh38, chr17:48,726,938, plus strand): 5'-GAGAGGCTGGTGGCTGCCGAGATCTTGCGCCTCTTGTCCTTGGTGATGAACTTGTTAGCC[G>A]CATACTCCCGCTCCAGCTCCCGCAACTGCCCCTTGCTGTACGGAATGCGTTTCTTGCGGC-3'
Protein context (NP_006352.2, residues 226-246): GQLRELEREY[Ala236Val]ANKFITKDKR